The following is an entry in ClinVar:

ClinVar aggregate classification (germline): Uncertain significance (1 of 4 stars; one submission).

Conditions:
Hereditary cancer-predisposing syndrome. Also called: Neoplastic Syndromes, Hereditary; Tumor predisposition; Hereditary neoplastic syndrome; Hereditary Cancer Syndrome. Identifiers: Orphanet 140162, MedGen C0027672, MeSH D009386, MONDO:0015356.

Submission:

Ambry Genetics
Classification: Uncertain significance for Hereditary cancer-predisposing syndrome. Last evaluated: 2023-10-25. Review status: criteria provided, single submitter. Criteria: Ambry Variant Classification Scheme 2023. Collection method: clinical testing. Allele origin: germline.
Comment: The p.S1271A variant (also known as c.3811T>G), located in coding exon 10 of the BRCA2 gene, results from a T to G substitution at nucleotide position 3811. The serine at codon 1271 is replaced by alanine, an amino acid with similar properties. This amino acid position is conserved. In addition, this alteration is predicted to be tolerated by in silico analysis. Since supporting evidence is limited at this time, the clinical significance of this alteration remains unclear.

NM_000059.4(BRCA2):c.3811T>G (p.Ser1271Ala)

Gene: BRCA2 (BRCA2 DNA repair associated; plus strand). Cytogenetic location: 13q13.1.
Variant type: single nucleotide variant.
Coding change: c.3811T>G on transcript NM_000059.4 (MANE Select); coding-DNA position 3811, T replaced by G.
Protein change: p.Ser1271Ala; replaces serine 1271 with alanine.
Molecular consequence: missense variant. On other transcripts: non-coding transcript variant (1), intron variant (2).
Genome position (GRCh38, 1-based): chr13:32,338,166, T>G. VCF-style: chr13-32338166-T-G. GRCh37 (hg19) VCF-style: chr13-32912303-T-G.
Other names: c.3811T>G, p.Ser1271Ala (NM_001406719.1, NM_001406720.1); c.1909+4779T>G (NM_001406721.1); c.425-6392T>G (NM_001406722.1); short protein forms S1271A.
Identifiers: ClinVar variation 3226439 (VCV003226439.1), dbSNP rs1157751493, ClinGen allele CA387778451.